The following is an entry in ClinVar:

NM_001330078.2(NRXN1):c.1353A>G (p.Glu451=)

Gene: NRXN1 (neurexin 1; minus strand). Cytogenetic location: 2p16.3.
Variant type: single nucleotide variant.
Coding change: c.1353A>G on transcript NM_001330078.2 (MANE Select); coding-DNA position 1353, A replaced by G.
Protein change: p.Glu451=; no amino-acid change (glutamic acid 451 retained).
Molecular consequence: synonymous variant.
Genome position (GRCh38, 1-based): chr2:50,552,993, T>C on the plus strand (A>G on the coding strand, the complement: NRXN1 is on the minus strand). VCF-style: chr2-50552993-T-C. GRCh37 (hg19) VCF-style: chr2-50780131-T-C.
Other names: c.1473A>G, p.Glu491= (NM_001135659.3); c.1329A>G, p.Glu443= (NM_001330077.2, NM_001330082.2, NM_001330095.2); c.1314A>G, p.Glu438= (NM_001330083.2, NM_001330084.2); c.1353A>G, p.Glu451= (NM_001330085.2, NM_001330086.2, NM_004801.6); c.1269A>G, p.Glu423= (NM_001330087.2, NM_001330096.2); c.1299A>G, p.Glu433= (NM_001330088.2); c.1350A>G, p.Glu450= (NM_001330093.2); c.1341A>G, p.Glu447= (NM_001330094.2).
Identifiers: ClinVar variation 1155878 (VCV001155878.32), dbSNP rs368788040, ClinGen allele CA1655046.

ClinVar aggregate classification (germline): Likely benign. Review status: criteria provided, multiple submitters, no conflicts (2 of 4 stars). 2 submissions from 2 submitters: Likely benign (2). Last evaluated 2024-09-01.

Conditions:
Pitt-Hopkins-like syndrome 2 (PTHSL2). Identifiers: Orphanet 221150, Orphanet 600663, MedGen C3280479, MONDO:0013690, OMIM 614325.

Allele frequency attached by ClinVar (database versions not stated): gnomAD exomes 0.00001 and 0.00002; ExAC 0.00003; TOPMed 0.00003; gnomAD 0.00004; ESP Exome Variant Server 0.00008.
gnomAD v4.1: 28 of 1,611,984 alleles (0.0017%); highest among the groups gnomAD compares: Non-Finnish European, 0.0021%; no homozygotes.

Submissions (2):

CeGaT Center for Human Genetics Tuebingen
Classification: Likely benign. Last evaluated: 2024-09-01. Review status: criteria provided, single submitter. Criteria: CeGaT Center For Human Genetics Tuebingen Variant Classification Criteria Version 2. Collection method: clinical testing. Allele origin: germline. Affected: yes. Observed: 2 variant alleles.
Comment: NRXN1: BP4, BP7

Labcorp Genetics (formerly Invitae), Labcorp
Classification: Likely benign for Pitt-Hopkins-like syndrome 2. Last evaluated: 2024-02-24. Review status: criteria provided, single submitter. Criteria: Invitae Variant Classification Sherloc (09022015). Collection method: clinical testing. Allele origin: germline.